The following is an entry in ClinVar:

NM_001276266.2(DUOXA1):c.*1116T>G

Genes: DUOXA1 (dual oxidase maturation factor 1; minus strand), DUOXA2 (dual oxidase maturation factor 2; plus strand), LOC130056981 (ATAC-STARR-seq lymphoblastoid active region 9349; plus strand). Cytogenetic location: 15q21.1.
Variant type: single nucleotide variant.
Coding change: c.*1116T>G on transcript NM_001276266.2 (MANE Select); 1116 bases downstream of the stop codon, T replaced by G.
Molecular consequence: 3 prime UTR variant. On other transcripts: synonymous variant (3).
Genome position (GRCh38, 1-based): chr15:45,117,990, A>C on the plus strand (T>G on the coding strand, the complement: DUOXA1 is on the minus strand). VCF-style: chr15-45117990-A-C. GRCh37 (hg19) VCF-style: chr15-45410188-A-C.
Other names: c.*81A>C (NM_207581.4); c.1071T>G, p.Ala357= (NM_001276264.2, NM_144565.4); c.936T>G, p.Ala312= (NM_001276265.1); c.*1116T>G (NM_001276267.2, NM_001276268.2, NM_001384349.1).
Identifiers: ClinVar variation 3772511 (VCV003772511.13).
Genomic context (GRCh38, chr15:45,117,990, plus strand): 5'-CTTCCCCGCCTTGGGACATCGCAGGCCGGGAAGCAGTGCCCGCCAGGCCTGGGCCAGGAG[A>C]GCTCCAGGAAGGGCACTGAGCGCTGCTGGCGCGAGGCCTCGGACATCCGCAGGCACCAGG-3'

ClinVar aggregate classification (germline): Likely benign (1 of 4 stars; one submission).

gnomAD v4.1: 2 of 1,611,884 alleles (0.00012%); highest among the groups gnomAD compares: African/African-American, 0.0027%; no homozygotes.

Submission:

CeGaT Center for Human Genetics Tuebingen
Classification: Likely benign. Last evaluated: 2025-02-01. Review status: criteria provided, single submitter. Criteria: CeGaT Center For Human Genetics Tuebingen Variant Classification Criteria Version 2. Collection method: clinical testing. Allele origin: germline. Affected: yes. Observed: 1 variant allele.
Comment: DUOXA1: BP4, BP7